The following is an entry in ClinVar:

NM_000186.4(CFH):c.3454T>A (p.Cys1152Ser)

Gene: CFH (complement factor H; plus strand). Cytogenetic location: 1q31.3.
Variant type: single nucleotide variant.
Coding change: c.3454T>A on transcript NM_000186.4 (MANE Select); coding-DNA position 3454, T replaced by A.
Protein change: p.Cys1152Ser; replaces cysteine 1152 with serine.
Molecular consequence: missense variant.
Genome position (GRCh38, 1-based): chr1:196,745,960, T>A. VCF-style: chr1-196745960-T-A. GRCh37 (hg19) VCF-style: chr1-196715090-T-A.
Other names: short protein forms C1152S.
Identifiers: ClinVar variation 4291575 (VCV004291575.1).
Genomic context (GRCh38, chr1:196,745,960, plus strand): 5'-TCATCAGTTGAGTACCAATGCCAGAACTTGTATCAACTTGAGGGTAACAAGCGAATAACA[T>A]GTAGAAATGGACAATGGTCAGAACCACCAAAATGCTTACGTAAGTACTTTAATATTCACG-3'
Protein context (NP_000177.2, residues 1142-1162): YQLEGNKRIT[Cys1152Ser]RNGQWSEPPK

ClinVar aggregate classification (germline): Uncertain significance (1 of 4 stars; one submission).

Conditions:
Atypical hemolytic-uremic syndrome. Identifiers: Orphanet 2134, MedGen C2931788, MONDO:0016244.

gnomAD v4.1: 1 of 1,614,120 alleles (0.000062%); no homozygotes.

Submission:

Genomenon, Inc
Classification: Uncertain significance for Atypical hemolytic-uremic syndrome. Last evaluated: 2025-10-02. Review status: criteria provided, single submitter. Criteria: Genomenon Sequence Variant Interpretation Standards - Updated. Collection method: curation. Allele origin: germline. Affected: yes.
Comment: CFH p.Cys1152Ser (c.3454T>A) is a missense variant that changes the amino acid at residue 1152 from Cysteine to Serine. This variant has been observed in at least one proband affected with atypical hemolytic-uremic syndrome (PMID:25925370). Functional studies have been reported (PMID:34189567). It is absent or not present at a significant frequency in gnomAD. In silico models agree that this variant is possibly or probably damaging. In conclusion, we classify CFH p.Cys1152Ser (c.3454T>A) as a variant of uncertain significance.

Literature cited by the submitters: PubMed 25925370; PubMed 34189567.